The following is an entry in ClinVar:

NM_001723.7(DST):c.4713G>A (p.Met1571Ile)

Gene: DST (dystonin; minus strand). Cytogenetic location: 6p12.1.
Variant type: single nucleotide variant.
Coding change: c.4713G>A on transcript NM_001723.7 (MANE Plus Clinical); coding-DNA position 4713, G replaced by A.
Protein change: p.Met1571Ile; replaces methionine 1571 with isoleucine.
Molecular consequence: missense variant. On other transcripts: intron variant (10).
Genome position (GRCh38, 1-based): chr6:56,619,321, C>T on the plus strand (G>A on the coding strand, the complement: DST is on the minus strand). VCF-style: chr6-56619321-C-T. GRCh37 (hg19) VCF-style: chr6-56484119-C-T.
Other names: c.4831-4837G>A (NM_001144769.5); c.4930-4837G>A (NM_001374722.1, NM_001374736.1); c.4957-4837G>A (NM_001374734.1); c.4417-4837G>A (NM_001144770.2); c.4297-4837G>A (NM_001374730.1, NM_001386100.1, NM_183380.4 and 1 more transcripts); c.3319-4837G>A (NM_015548.5); short protein forms M1571I.
Identifiers: ClinVar variation 1501246 (VCV001501246.6), dbSNP rs1235183236, ClinGen allele CA364569039.
Genomic context (GRCh38, chr6:56,619,321, plus strand): 5'-CTGCATCATTAATTTGGTTTCATTATTCTGCCTAGTAAGCTCCTCTACTTTTTGTTTTAG[C>T]ATCTCTGCACACTCATTACTTTTCTCCAATTCTTCATTGAGCCTTTGGATTTTATCATTA-3'
Protein context (NP_001714.1, residues 1561-1581): ELEKSNECAE[Met1571Ile]LKQKVEELTR

ClinVar aggregate classification (germline): Uncertain significance (1 of 4 stars; one submission).

Conditions:
Hereditary sensory and autonomic neuropathy type 6. Also called: Neuropathy, hereditary sensory and autonomic, type VI; HSAN VI. Identifiers: Orphanet 314381, MedGen C3539003, MONDO:0013839, OMIM 614653.
Epidermolysis bullosa simplex 3, localized or generalized intermediate, with BP230 deficiency (EBS3). Also called: Epidermolysis bullosa simplex due to BP230 deficiency; Epidermolysis bullosa simplex, autosomal recessive 2. Identifiers: Orphanet 412181, MedGen C3809470, MONDO:0014180, OMIM 615425.

Allele frequency attached by ClinVar (database versions not stated): gnomAD exomes 0.00001; TOPMed 0.00002; gnomAD 0.00003.
gnomAD v4.1: 15 of 1,611,224 alleles (0.00093%); highest among the groups gnomAD compares: Admixed American, 0.0017%; no homozygotes.

Submission:

Labcorp Genetics (formerly Invitae), Labcorp
Classification: Uncertain significance for Epidermolysis bullosa simplex 3, localized or generalized intermediate, with BP230 deficiency; Hereditary sensory and autonomic neuropathy type 6. Last evaluated: 2024-05-01. Review status: criteria provided, single submitter. Criteria: Invitae Variant Classification Sherloc (09022015). Collection method: clinical testing. Allele origin: germline.
Comment: This sequence change replaces methionine, which is neutral and non-polar, with isoleucine, which is neutral and non-polar, at codon 1571 of the DST protein (p.Met1571Ile). The frequency data for this variant in the population databases is considered unreliable, as metrics indicate poor data quality at this position in the gnomAD database. This variant has not been reported in the literature in individuals affected with DST-related conditions. ClinVar contains an entry for this variant (Variation ID: 1501246). An algorithm developed to predict the effect of missense changes on protein structure and function (PolyPhen-2) suggests that this variant is likely to be tolerated. In summary, the available evidence is currently insufficient to determine the role of this variant in disease. Therefore, it has been classified as a Variant of Uncertain Significance.